The following is an entry in ClinVar:

ClinVar aggregate classification (germline): Conflicting classifications of pathogenicity. Review status: criteria provided, conflicting classifications (1 of 4 stars). 5 submissions from 5 submitters: Uncertain significance (1); Benign (1); Likely benign (2). 1 of the submissions does not count toward it. Last evaluated 2026-01-12.

Conditions:
Vanishing white matter disease. Also called: Childhood ataxia with diffuse central nervous system hypomyelination; Leukoencephalopathy with vanishing white matter; CACH/VWM syndrome; Cree leukoencehalopathy; CACH syndrome. Identifiers: Orphanet 135, Orphanet 99853, MedGen C1858991, MONDO:0800448.

Allele frequency attached by ClinVar (database versions not stated): gnomAD exomes 0.00024; ExAC 0.00026; gnomAD 0.00077 and 0.00084; ESP Exome Variant Server 0.00092; 1000 Genomes Project 30x 0.00094; 1000 Genomes Project 0.00100; TOPMed 0.00102.
gnomAD v4.1: 273 of 1,614,212 alleles (0.017%); highest among the groups gnomAD compares: African/African-American, 0.34%; no homozygotes.

Submissions (5):

Labcorp Genetics (formerly Invitae), Labcorp
Classification: Benign. Last evaluated: 2026-01-12. Review status: criteria provided, single submitter. Criteria: Invitae Variant Classification Sherloc (09022015). Collection method: clinical testing. Allele origin: germline.

GeneDx
Classification: Uncertain significance. Last evaluated: 2024-09-22. Review status: criteria provided, single submitter. Criteria: GeneDx Variant Classification Process June 2021. Collection method: clinical testing. Allele origin: germline. Affected: yes.
Comment: Has not been previously published as pathogenic or benign to our knowledge; In silico analysis suggests this variant may impact gene splicing. In the absence of RNA/functional studies, the actual effect of this sequence change is unknown.

Blueprint Genetics
Classification: Likely benign. Last evaluated: 2023-12-21. Review status: criteria provided, single submitter. Criteria: ACMG Guidelines, 2015. Collection method: clinical testing. Allele origin: germline.

Fulgent Genetics
Classification: Likely benign for Leukoencephalopathy with vanishing white matter 1. Last evaluated: 2022-04-07. Review status: criteria provided, single submitter. Criteria: ACMG Guidelines, 2015. Collection method: clinical testing. Allele origin: unknown.

Natera, Inc.
Classification: Uncertain significance for Leukoencephalopathy with vanishing white matter. Last evaluated: 2020-01-17. Review status: no assertion criteria provided. Collection method: clinical testing. Allele origin: germline. Not counted in ClinVar's aggregate classification.

NM_003907.3(EIF2B5):c.1870-5C>A

Gene: EIF2B5 (eukaryotic translation initiation factor 2B subunit epsilon; plus strand). Cytogenetic location: 3q27.1.
Variant type: single nucleotide variant.
Coding change: c.1870-5C>A on transcript NM_003907.3 (MANE Select); 5 bases into the intron before coding-DNA position 1870, C replaced by A.
Molecular consequence: intron variant.
Genome position (GRCh38, 1-based): chr3:184,144,094, C>A. VCF-style: chr3-184144094-C-A. GRCh37 (hg19) VCF-style: chr3-183861882-C-A.
Identifiers: ClinVar variation 714236 (VCV000714236.14), dbSNP rs144864475, ClinGen allele CA2726837.